The following is an entry in ClinVar:

NM_016151.4(TAOK2):c.1768C>T (p.Arg590Cys)

Gene: TAOK2 (TAO kinase 2; plus strand). Cytogenetic location: 16p11.2.
Variant type: single nucleotide variant.
Coding change: c.1768C>T on transcript NM_016151.4 (MANE Select); coding-DNA position 1768, C replaced by T.
Protein change: p.Arg590Cys; replaces arginine 590 with cysteine.
Molecular consequence: missense variant.
Genome position (GRCh38, 1-based): chr16:29,985,558, C>T. VCF-style: chr16-29985558-C-T. GRCh37 (hg19) VCF-style: chr16-29996879-C-T.
Other names: c.1768C>T, p.Arg590Cys (NM_001252043.2, NM_004783.4); short protein forms R590C.
Identifiers: ClinVar variation 2778522 (VCV002778522.3), dbSNP rs2069758981, ClinGen allele CA395487160.

ClinVar aggregate classification (germline): Uncertain significance (1 of 4 stars; one submission).

Allele frequency attached by ClinVar (database versions not stated): gnomAD exomes 0.00001; TOPMed 0.00001.
gnomAD v4.1: 10 of 1,602,508 alleles (0.00062%); highest among the groups gnomAD compares: Non-Finnish European, 0.00085%; no homozygotes.

Submission:

Labcorp Genetics (formerly Invitae), Labcorp
Classification: Uncertain significance. Last evaluated: 2023-07-29. Review status: criteria provided, single submitter. Criteria: Invitae Variant Classification Sherloc (09022015). Collection method: clinical testing. Allele origin: germline.
Comment: In summary, the available evidence is currently insufficient to determine the role of this variant in disease. Therefore, it has been classified as a Variant of Uncertain Significance. An algorithm developed to predict the effect of missense changes on protein structure and function (PolyPhen-2) suggests that this variant is likely to be disruptive. This variant has not been reported in the literature in individuals affected with TAOK2-related conditions. This variant is not present in population databases (gnomAD no frequency). This sequence change replaces arginine, which is basic and polar, with cysteine, which is neutral and slightly polar, at codon 590 of the TAOK2 protein (p.Arg590Cys).